The following is an entry in ClinVar:

NM_006269.2(RP1):c.4253A>C (p.Asp1418Ala)

Gene: RP1 (RP1 axonemal microtubule associated; plus strand). Cytogenetic location: 8q12.1.
Variant type: single nucleotide variant.
Coding change: c.4253A>C on transcript NM_006269.2 (MANE Select); coding-DNA position 4253, A replaced by C.
Protein change: p.Asp1418Ala; replaces aspartic acid 1418 with alanine.
Molecular consequence: missense variant. On other transcripts: intron variant (1).
Genome position (GRCh38, 1-based): chr8:54,628,135, A>C. VCF-style: chr8-54628135-A-C. GRCh37 (hg19) VCF-style: chr8-55540695-A-C.
Other names: c.787+5847A>C (NM_001375654.1); short protein forms D1418A.
Identifiers: ClinVar variation 2008705 (VCV002008705.4), dbSNP rs755411693, ClinGen allele CA370981790.

ClinVar aggregate classification (germline): Uncertain significance (1 of 4 stars; one submission).

Submission:

Labcorp Genetics (formerly Invitae), Labcorp
Classification: Uncertain significance. Last evaluated: 2023-12-11. Review status: criteria provided, single submitter. Criteria: Invitae Variant Classification Sherloc (09022015). Collection method: clinical testing. Allele origin: germline.
Comment: This sequence change replaces aspartic acid, which is acidic and polar, with alanine, which is neutral and non-polar, at codon 1418 of the RP1 protein (p.Asp1418Ala). This variant is not present in population databases (gnomAD no frequency). This variant has not been reported in the literature in individuals affected with RP1-related conditions. ClinVar contains an entry for this variant (Variation ID: 2008705). Algorithms developed to predict the effect of missense changes on protein structure and function output the following: SIFT: "Not Available"; PolyPhen-2: "Benign"; Align-GVGD: "Not Available". The alanine amino acid residue is found in multiple mammalian species, which suggests that this missense change does not adversely affect protein function. In summary, the available evidence is currently insufficient to determine the role of this variant in disease. Therefore, it has been classified as a Variant of Uncertain Significance.